The following is an entry in ClinVar:

ClinVar aggregate classification (germline): Uncertain significance. Review status: criteria provided, multiple submitters, no conflicts (2 of 4 stars). 6 submissions from 6 submitters: Uncertain significance (4). 2 of the submissions do not count toward it. Last evaluated 2025-09-28.

Conditions:
Inborn genetic diseases. Identifiers: MedGen C0950123, MeSH D030342.

Allele frequency attached by ClinVar (database versions not stated): ExAC 0.00007; TOPMed 0.00008; gnomAD 0.00009; gnomAD exomes 0.00012 and 0.00019; ESP Exome Variant Server 0.00023.
gnomAD v4.1: 279 of 1,614,042 alleles (0.017%); highest among the groups gnomAD compares: Non-Finnish European, 0.023%; no homozygotes.

Submissions (6):

Ambry Genetics
Classification: Uncertain significance for Inborn genetic diseases. Last evaluated: 2025-09-28. Review status: criteria provided, single submitter. Criteria: Ambry Variant Classification Scheme 2023. Collection method: clinical testing. Allele origin: germline.

Labcorp Genetics (formerly Invitae), Labcorp
Classification: Uncertain significance. Last evaluated: 2024-10-08. Review status: criteria provided, single submitter. Criteria: Invitae Variant Classification Sherloc (09022015). Collection method: clinical testing. Allele origin: germline.
Comment: This sequence change replaces leucine, which is neutral and non-polar, with proline, which is neutral and non-polar, at codon 1262 of the TTLL5 protein (p.Leu1262Pro). This variant is present in population databases (rs143635737, gnomAD 0.02%). This variant has not been reported in the literature in individuals affected with TTLL5-related conditions. ClinVar contains an entry for this variant (Variation ID: 837662). An algorithm developed to predict the effect of missense changes on protein structure and function (PolyPhen-2) suggests that this variant is likely to be disruptive. In summary, the available evidence is currently insufficient to determine the role of this variant in disease. Therefore, it has been classified as a Variant of Uncertain Significance.

Blueprint Genetics
Classification: Uncertain significance. Last evaluated: 2024-04-24. Review status: criteria provided, single submitter. Criteria: ACMG Guidelines, 2015. Collection method: clinical testing. Allele origin: germline.

CeGaT Center for Human Genetics Tuebingen
Classification: Uncertain significance. Last evaluated: 2022-10-01. Review status: criteria provided, single submitter. Criteria: CeGaT Center For Human Genetics Tuebingen Variant Classification Criteria Version 2. Collection method: clinical testing. Allele origin: germline. Affected: yes. Observed: 1 variant allele.
Comment: TTLL5: PM2

Clinical Genetics DNA and cytogenetics Diagnostics Lab, Erasmus MC, Erasmus Medical Center
Classification: Uncertain significance. Review status: no assertion criteria provided. Collection method: clinical testing. Allele origin: germline. Affected: yes. Study: VKGL Data-share Consensus. Not counted in ClinVar's aggregate classification.

Clinical Genetics, Academic Medical Center
Classification: Uncertain significance. Review status: no assertion criteria provided. Collection method: clinical testing. Allele origin: germline. Affected: yes. Study: VKGL Data-share Consensus. Not counted in ClinVar's aggregate classification.

NM_015072.5(TTLL5):c.3785T>C (p.Leu1262Pro)

Gene: TTLL5 (tubulin tyrosine ligase like 5; plus strand). Cytogenetic location: 14q24.3.
Variant type: single nucleotide variant.
Coding change: c.3785T>C on transcript NM_015072.5 (MANE Select); coding-DNA position 3785, T replaced by C.
Protein change: p.Leu1262Pro; replaces leucine 1262 with proline.
Molecular consequence: missense variant.
Genome position (GRCh38, 1-based): chr14:75,902,186, T>C. VCF-style: chr14-75902186-T-C. GRCh37 (hg19) VCF-style: chr14-76368529-T-C.
Other names: short protein forms L1262P.
Identifiers: ClinVar variation 837662 (VCV000837662.39), dbSNP rs143635737, ClinGen allele CA7280167.